The following is an entry in ClinVar:

ClinVar aggregate classification (germline): Pathogenic (1 of 4 stars; one submission).

Conditions:
Hereditary hemochromatosis (HFE). Identifiers: MedGen C0392514, MONDO:0006507. Disease mechanism: loss of function.

Submission:

Labcorp Genetics (formerly Invitae), Labcorp
Classification: Pathogenic for Hereditary hemochromatosis. Last evaluated: 2017-11-16. Review status: criteria provided, single submitter. Criteria: Invitae Variant Classification Sherloc (09022015). Collection method: clinical testing. Allele origin: germline.
Comment: For these reasons, this variant has been classified as Pathogenic. Loss-of-function variants in HFE are known to be pathogenic (PMID: 27518069). This variant has not been reported in the literature in individuals with HFE-related disease. This variant is not present in population databases (ExAC no frequency). This sequence change creates a premature translational stop signal (p.Asp255Thrfs*14) in the HFE gene. It is expected to result in an absent or disrupted protein product.

Literature cited by the submitters: PubMed 27518069.

NM_000410.4(HFE):c.762del (p.Asp255fs)

Gene: HFE (homeostatic iron regulator; plus strand). Cytogenetic location: 6p22.2.
Variant type: Deletion.
Coding change: c.762del on transcript NM_000410.4 (MANE Select); coding-DNA position 762, one base deleted (A; older notation c.762delA).
Protein change: p.Asp255fs; shifts the reading frame from aspartic acid 255.
Molecular consequence: frameshift variant. On other transcripts: intron variant (1).
Genome position (GRCh38, 1-based): chr6:26,092,830, A deleted; the last of 3 consecutive A bases (chr6:26,092,828-26,092,830); deleting any one gives the same sequence. VCF-style (leftmost placement, unchanged base first): chr6-26092827-TA-T. GRCh37 (hg19) VCF-style: chr6-26093055-TA-T.
Other names: c.762delA, p.Asp255Thrfs (NM_001300749.3); c.762del, p.Asp255fs (NM_001384164.1); c.753delA, p.Asp252Thrfs (NM_001406751.1); c.498delA, p.Asp167Thrfs (NM_001406752.1); c.444del, p.Asp149fs (NM_139003.3); c.486del, p.Asp163fs (NM_139004.3); c.720del, p.Asp241fs (NM_139006.3); c.498del, p.Asp167fs (NM_139007.3); and 4 more; short protein forms D149fs, D153fs, D255fs, D167fs, D232fs, D241fs, D163fs, D75fs.
Identifiers: ClinVar variation 530393 (VCV000530393.8), dbSNP rs1554154042, ClinGen allele CA658796729.